The following is an entry in ClinVar:

NM_001797.4(CDH11):c.1039G>C (p.Val347Leu)

Gene: CDH11 (cadherin 11; minus strand). Cytogenetic location: 16q21.
Variant type: single nucleotide variant.
Coding change: c.1039G>C on transcript NM_001797.4 (MANE Select); coding-DNA position 1039, G replaced by C.
Protein change: p.Val347Leu; replaces valine 347 with leucine.
Molecular consequence: missense variant.
Genome position (GRCh38, 1-based): chr16:64,982,262, C>G on the plus strand (G>C on the coding strand, the complement: CDH11 is on the minus strand). VCF-style: chr16-64982262-C-G. GRCh37 (hg19) VCF-style: chr16-65016165-C-G.
Other names: c.1039G>C, p.Val347Leu (NM_001308392.2); c.661G>C, p.Val221Leu (NM_001330576.2); short protein forms V221L, V347L.
Identifiers: ClinVar variation 3056278 (VCV003056278.2), dbSNP rs76181686, ClinGen allele CA8092228.

ClinVar aggregate classification (germline): Benign (0 of 4 stars; one submission).

Conditions:
CDH11-related disorder. Also called: CDH11-related condition.

Allele frequency attached by ClinVar (database versions not stated): 1000 Genomes Project 30x 0.00874; 1000 Genomes Project 0.00998; ESP Exome Variant Server 0.01676.
gnomAD v4.1: 34,095 of 1,612,308 alleles (2.1%); highest among the groups gnomAD compares: Non-Finnish European, 2.3%; 457 homozygotes.

Submission:

PreventionGenetics, part of Exact Sciences
Classification: Benign for CDH11-related condition. Last evaluated: 2019-06-06. Review status: no assertion criteria provided. Collection method: clinical testing. Allele origin: germline.
Comment: This variant is classified as benign based on ACMG/AMP sequence variant interpretation guidelines (Richards et al. 2015 PMID: 25741868, with internal and published modifications).